The following is an entry in ClinVar:

ClinVar aggregate classification (germline): Conflicting classifications of pathogenicity. Review status: criteria provided, conflicting classifications (1 of 4 stars). 5 submissions from 5 submitters: Uncertain significance (1); Likely benign (4). Last evaluated 2026-01-19.

Conditions:
Microcephalic osteodysplastic primordial dwarfism type II (MOPD2). Also called: Microcephalic osteodysplastic primordial dwarfism with tooth abnormalities; MOPD II; OSTEODYSPLASTIC PRIMORDIAL DWARFISM, TYPE II. Identifiers: Orphanet 2637, MedGen C0432246, MONDO:0008872, OMIM 210720.

Allele frequency attached by ClinVar (database versions not stated): ExAC 0.00017; gnomAD 0.00027; ESP Exome Variant Server 0.00031; 1000 Genomes Project 0.00040; TOPMed 0.00041; 1000 Genomes Project 30x 0.00062.
gnomAD v4.1: 732 of 1,612,122 alleles (0.045%); highest among the groups gnomAD compares: Non-Finnish European, 0.057%; no homozygotes.

Submissions (5):

Labcorp Genetics (formerly Invitae), Labcorp
Classification: Likely benign. Last evaluated: 2026-01-19. Review status: criteria provided, single submitter. Criteria: Invitae Variant Classification Sherloc (09022015). Collection method: clinical testing. Allele origin: germline.

Blueprint Genetics
Classification: Likely benign. Last evaluated: 2024-07-16. Review status: criteria provided, single submitter. Criteria: ACMG Guidelines, 2015. Collection method: clinical testing. Allele origin: germline.

CeGaT Center for Human Genetics Tuebingen
Classification: Likely benign. Last evaluated: 2024-07-01. Review status: criteria provided, single submitter. Criteria: CeGaT Center For Human Genetics Tuebingen Variant Classification Criteria Version 2. Collection method: clinical testing. Allele origin: germline. Affected: yes. Observed: 2 variant alleles.
Comment: PCNT: BP4, BP7

GeneDx
Classification: Likely benign. Last evaluated: 2020-08-26. Review status: criteria provided, single submitter. Criteria: GeneDx Variant Classification Process June 2021. Collection method: clinical testing. Allele origin: germline. Affected: yes.

Illumina Laboratory Services, Illumina
Classification: Uncertain significance for Microcephalic osteodysplastic primordial dwarfism type II. Last evaluated: 2018-01-12. Review status: criteria provided, single submitter. Criteria: ICSL Variant Classification Criteria 13 December 2019. Collection method: clinical testing. Allele origin: germline.

NM_006031.6(PCNT):c.6645G>A (p.Pro2215=)

Gene: PCNT (pericentrin; plus strand). Cytogenetic location: 21q22.3.
Variant type: single nucleotide variant.
Coding change: c.6645G>A on transcript NM_006031.6 (MANE Select); coding-DNA position 6645, G replaced by A.
Protein change: p.Pro2215=; no amino-acid change (proline 2215 retained).
Molecular consequence: synonymous variant.
Genome position (GRCh38, 1-based): chr21:46,416,563, G>A. VCF-style: chr21-46416563-G-A. GRCh37 (hg19) VCF-style: chr21-47836477-G-A.
Other names: c.6291G>A, p.Pro2097= (NM_001315529.2).
Identifiers: ClinVar variation 378329 (VCV000378329.41), dbSNP rs144342729, ClinGen allele CA10080374.